The following is an entry in ClinVar:

NM_000552.5(VWF):c.8215T>C (p.Cys2739Arg)

Gene: VWF (von Willebrand factor; minus strand). Cytogenetic location: 12p13.31.
Variant type: single nucleotide variant.
Coding change: c.8215T>C on transcript NM_000552.5 (MANE Select); coding-DNA position 8215, T replaced by C.
Protein change: p.Cys2739Arg; replaces cysteine 2739 with arginine.
Molecular consequence: missense variant.
Genome position (GRCh38, 1-based): chr12:5,949,824, A>G on the plus strand (T>C on the coding strand, the complement: VWF is on the minus strand). VCF-style: chr12-5949824-A-G. GRCh37 (hg19) VCF-style: chr12-6058990-A-G.
Other names: c.8215T>C (NM_000552.4); short protein forms C2739R.
Identifiers: ClinVar variation 627394 (VCV000627394.3), dbSNP rs1591827147, ClinGen allele CA383487083.
Genomic context (GRCh38, chr12:5,949,824, plus strand): 5'-CTTATTGAAGCAGAGCCCTTACCTGGCAGTAGTGGATATCCACCTCTACTTCAGACTTAC[A>G]GCTTCCCACCTTGACATACTGCAGCCTGGCAGTGATGTCGTTGCACTCAGGCTCCTCACC-3'
Protein context (NP_000543.3, residues 2729-2749): ARLQYVKVGS[Cys2739Arg]KSEVEVDIHY

ClinVar aggregate classification (germline): Uncertain significance. Review status: criteria provided, multiple submitters, no conflicts (2 of 4 stars). 2 submissions from 2 submitters: Uncertain significance (2). Last evaluated 2023-01-18.

Conditions:
VWF-related disorder. Also called: VWF-related condition; VWF-related disorders.
Hereditary von Willebrand disease. Identifiers: Orphanet 903, MedGen C5703318, MONDO:0019565. Inheritance: Autosomal recessive or Autosomal dominant.

Allele frequency attached by ClinVar (database versions not stated): gnomAD exomes below 0.00001; TOPMed below 0.00001.
gnomAD v4.1: 1 of 1,614,064 alleles (0.000062%); highest among the groups gnomAD compares: Non-Finnish European, 0.000085%; no homozygotes.

Submissions (2):

PreventionGenetics, part of Exact Sciences
Classification: Uncertain significance for VWF-related condition. Last evaluated: 2023-01-18. Review status: criteria provided, single submitter. Criteria: ACMG Guidelines, 2015. Collection method: clinical testing. Allele origin: germline.
Comment: The VWF c.8215T>C variant is predicted to result in the amino acid substitution p.Cys2739Arg. This variant has been reported in an individual with Von Willebrand disease 3 (Sadler et al. 2021. PubMed ID: 33556167. Table 23). This variant has also been reported in the heterozygous state in an individual in a cohort study of patients with bleeding disorders (Downes et al. 2019. PubMed ID: 31064749. Suppl3_SNV+INDEL). Different missense variants in the same codon (c.8216G>A,p.Cys2739Tyr; c.8216G>C,p.Cys2739Ser) have been reported in individuals with Von Willebrand disease 3 (Wang et al. 2011. PubMed ID: 21596755; Ahmed et al. 2019. PubMed ID: 31532876) suggesting that substitution of amino acid residue p.Cys2739 is not tolerated. This variant has not been reported in a large population database, indicating this variant is rare. Although we suspect that this variant may be pathogenic, at this time, the clinical significance of this variant is uncertain due to the absence of conclusive functional and genetic evidence.

NIHR Bioresource Rare Diseases, University of Cambridge
Classification: Uncertain significance for von Willebrand disorder. Last evaluated: 2019-02-01. Review status: criteria provided, single submitter. Criteria: ACMG Guidelines, 2015. Collection method: research. Allele origin: unknown. Affected: yes. Observed: 1 compound heterozygote. Study: ThromboGenomics.

Literature cited by the submitters: PubMed 31064749 (cited by NIHR Bioresource Rare Diseases, University of Cambridge).